The following is an entry in ClinVar:

ClinVar aggregate classification (germline): Uncertain significance (1 of 4 stars; one submission).

Allele frequency attached by ClinVar (database versions not stated): gnomAD 0.00001; TOPMed 0.00002; ESP Exome Variant Server 0.00008.
gnomAD v4.1: 6 of 1,613,614 alleles (0.00037%); highest among the groups gnomAD compares: African/African-American, 0.0053%; no homozygotes.

Submission:

Labcorp Genetics (formerly Invitae), Labcorp
Classification: Uncertain significance. Last evaluated: 2022-06-28. Review status: criteria provided, single submitter. Criteria: Invitae Variant Classification Sherloc (09022015). Collection method: clinical testing. Allele origin: germline.
Comment: This sequence change replaces methionine, which is neutral and non-polar, with valine, which is neutral and non-polar, at codon 402 of the CNGA3 protein (p.Met402Val). This variant is present in population databases (rs368567533, gnomAD 0.01%). This variant has not been reported in the literature in individuals affected with CNGA3-related conditions. Advanced modeling of protein sequence and biophysical properties (such as structural, functional, and spatial information, amino acid conservation, physicochemical variation, residue mobility, and thermodynamic stability) performed at Invitae indicates that this missense variant is expected to disrupt CNGA3 protein function. In summary, the available evidence is currently insufficient to determine the role of this variant in disease. Therefore, it has been classified as a Variant of Uncertain Significance.

NM_001298.3(CNGA3):c.1204A>G (p.Met402Val)

Gene: CNGA3 (cyclic nucleotide gated channel subunit alpha 3; plus strand). Cytogenetic location: 2q11.2.
Variant type: single nucleotide variant.
Coding change: c.1204A>G on transcript NM_001298.3 (MANE Select); coding-DNA position 1204, A replaced by G.
Protein change: p.Met402Val; replaces methionine 402 with valine.
Molecular consequence: missense variant.
Genome position (GRCh38, 1-based): chr2:98,396,374, A>G. VCF-style: chr2-98396374-A-G. GRCh37 (hg19) VCF-style: chr2-99012837-A-G.
Other names: c.1150A>G, p.Met384Val (NM_001079878.2); short protein forms M402V, M384V.
Identifiers: ClinVar variation 1436244 (VCV001436244.3), dbSNP rs368567533, ClinGen allele CA1793962.